The following is an entry in ClinVar:

NM_001330.5(CTF1):c.466G>A (p.Ala156Thr)

Genes: CTF1 (cardiotrophin 1; plus strand), LOC130058878 (ATAC-STARR-seq lymphoblastoid silent region 7400; plus strand). Cytogenetic location: 16p11.2.
Variant type: single nucleotide variant.
Coding change: c.466G>A on transcript NM_001330.5 (MANE Select); coding-DNA position 466, G replaced by A.
Protein change: p.Ala156Thr; replaces alanine 156 with threonine.
Molecular consequence: missense variant. On other transcripts: non-coding transcript variant (1).
Genome position (GRCh38, 1-based): chr16:30,902,399, G>A. VCF-style: chr16-30902399-G-A. GRCh37 (hg19) VCF-style: chr16-30913720-G-A.
Other names: c.463G>A, p.Ala155Thr (NM_001142544.3); short protein forms A156T, A155T.
Identifiers: ClinVar variation 626831 (VCV000626831.9), dbSNP rs936775298, ClinGen allele CA280531302.

ClinVar aggregate classification (germline): Uncertain significance. Review status: criteria provided, multiple submitters, no conflicts (2 of 4 stars). 2 submissions from 2 submitters: Uncertain significance (2). Last evaluated 2025-07-27.

Conditions:
Cardiomyopathy (CMYO). Also called: Cardiomyopathies. Identifiers: Orphanet 167848, MedGen C0878544, MONDO:0004994, HP:0001638. Inheritance: Various modes of inheritance.

Allele frequency attached by ClinVar (database versions not stated): gnomAD 0.00003; gnomAD exomes 0.00004; TOPMed 0.00002.

Submissions (2):

Labcorp Genetics (formerly Invitae), Labcorp
Classification: Uncertain significance. Last evaluated: 2025-07-27. Review status: criteria provided, single submitter. Criteria: Invitae Variant Classification Sherloc (09022015). Collection method: clinical testing. Allele origin: germline.
Comment: This sequence change replaces alanine, which is neutral and non-polar, with threonine, which is neutral and polar, at codon 156 of the CTF1 protein (p.Ala156Thr). The frequency data for this variant in the population databases is considered unreliable, as metrics indicate poor data quality at this position in the gnomAD database. This variant has not been reported in the literature in individuals affected with CTF1-related conditions. ClinVar contains an entry for this variant (Variation ID: 626831). An algorithm developed to predict the effect of missense changes on protein structure and function outputs the following: PolyPhen-2: "Benign". The threonine amino acid residue is found in multiple mammalian species, which suggests that this missense change does not adversely affect protein function. In summary, the available evidence is currently insufficient to determine the role of this variant in disease. Therefore, it has been classified as a Variant of Uncertain Significance.

CHEO Genetics Diagnostic Laboratory, Children's Hospital of Eastern Ontario
Classification: Uncertain significance for Cardiomyopathy. Last evaluated: 2017-06-12. Review status: criteria provided, single submitter. Criteria: ACMG Guidelines, 2015. Collection method: clinical testing. Allele origin: germline. Study: Canadian Open Genetics Repository.